The following is an entry in ClinVar:

NM_001261826.3(AP3D1):c.2328C>T (p.Ile776=)

Gene: AP3D1 (adaptor related protein complex 3 subunit delta 1; minus strand). Cytogenetic location: 19p13.3.
Variant type: single nucleotide variant.
Coding change: c.2328C>T on transcript NM_001261826.3 (MANE Select); coding-DNA position 2328, C replaced by T.
Protein change: p.Ile776=; no amino-acid change (isoleucine 776 retained).
Molecular consequence: synonymous variant.
Genome position (GRCh38, 1-based): chr19:2,115,240, G>A on the plus strand (C>T on the coding strand, the complement: AP3D1 is on the minus strand). VCF-style: chr19-2115240-G-A. GRCh37 (hg19) VCF-style: chr19-2115239-G-A.
Other names: p.Ile776=; c.2328C>T, p.Ile776= (NM_001374799.1, NM_003938.8).
Identifiers: ClinVar variation 1432750 (VCV001432750.9), dbSNP rs370785097, ClinGen allele CA9058922.
Genomic context (GRCh38, chr19:2,115,240, plus strand): 5'-GATAGACATCCTAGGACCGGGACCTCCAGCGAGGCTGACCTCAGGCATCTCCTCTGTGAC[G>A]ATGTCCACCTGCTGGGCAGGGGCGATGTCCTCGTCGCTCTCCGTGGGCAGCGAGCTGTGG-3'
Protein context (NP_001248755.1, residues 766-786): EDIAPAQQVD[Ile776=]VTEEMPENAL

ClinVar aggregate classification (germline): Likely benign. Review status: criteria provided, multiple submitters, no conflicts (2 of 4 stars). 2 submissions from 2 submitters: Likely benign (2). Last evaluated 2025-12-03.

Allele frequency attached by ClinVar (database versions not stated): ExAC 0.00001; gnomAD exomes 0.00004; gnomAD 0.00005; TOPMed 0.00007; ESP Exome Variant Server 0.00008.
gnomAD v4.1: 89 of 1,613,298 alleles (0.0055%); highest among the groups gnomAD compares: Admixed American, 0.023%; no homozygotes.

Submissions (2):

Mayo Clinic Laboratories, Mayo Clinic
Classification: Likely benign. Last evaluated: 2025-12-03. Review status: criteria provided, single submitter. Criteria: ACMG Guidelines, 2015. Collection method: clinical testing. Allele origin: germline. Observed: 1 variant allele.
Comment: BP4, BP7

Labcorp Genetics (formerly Invitae), Labcorp
Classification: Likely benign. Last evaluated: 2024-07-08. Review status: criteria provided, single submitter. Criteria: Invitae Variant Classification Sherloc (09022015). Collection method: clinical testing. Allele origin: germline.